The following is an entry in ClinVar:

ClinVar aggregate classification (germline): Uncertain significance (1 of 4 stars; one submission).

Conditions:
Sphingolipid activator protein 1 deficiency. Also called: Metachromatic leukodystrophy due to saposin B deficiency; METACHROMATIC LEUKODYSTROPHY DUE TO CEREBROSIDE SULFATASE ACTIVATOR DEFICIENCY; Saposin B Deficiency. Identifiers: Orphanet 512, MedGen C0268262, MONDO:0009590, OMIM 249900.

Allele frequency attached by ClinVar (database versions not stated): gnomAD 0.00003; TOPMed 0.00004.

Submission:

Labcorp Genetics (formerly Invitae), Labcorp
Classification: Uncertain significance for Sphingolipid activator protein 1 deficiency. Last evaluated: 2022-03-20. Review status: criteria provided, single submitter. Criteria: Invitae Variant Classification Sherloc (09022015). Collection method: clinical testing. Allele origin: germline.
Comment: This sequence change replaces methionine, which is neutral and non-polar, with valine, which is neutral and non-polar, at codon 345 of the PSAP protein (p.Met345Val). This variant is not present in population databases (gnomAD no frequency). This variant has not been reported in the literature in individuals affected with PSAP-related conditions. Algorithms developed to predict the effect of missense changes on protein structure and function output the following: SIFT: "Not Available"; PolyPhen-2: "Benign"; Align-GVGD: "Not Available". The valine amino acid residue is found in multiple mammalian species, which suggests that this missense change does not adversely affect protein function. In summary, the available evidence is currently insufficient to determine the role of this variant in disease. Therefore, it has been classified as a Variant of Uncertain Significance.

NM_002778.4(PSAP):c.1033A>G (p.Met345Val)

Gene: PSAP (prosaposin; minus strand). Cytogenetic location: 10q22.1.
Variant type: single nucleotide variant.
Coding change: c.1033A>G on transcript NM_002778.4 (MANE Select); coding-DNA position 1033, A replaced by G.
Protein change: p.Met345Val; replaces methionine 345 with valine.
Molecular consequence: missense variant.
Genome position (GRCh38, 1-based): chr10:71,819,873, T>C on the plus strand (A>G on the coding strand, the complement: PSAP is on the minus strand). VCF-style: chr10-71819873-T-C. GRCh37 (hg19) VCF-style: chr10-73579630-T-C.
Other names: c.1042A>G, p.Met348Val (NM_001042465.3); c.1039A>G, p.Met347Val (NM_001042466.3); short protein forms M348V, M347V, M345V.
Identifiers: ClinVar variation 2182641 (VCV002182641.1), dbSNP rs773630153, ClinGen allele CA209455088.
Genomic context (GRCh38, chr10:71,819,873, plus strand): 5'-CGTACGTGTCCACCACCTCCTGGCACTCTTCCGACAGGGACTTCGGCAGCTTCGAGCACA[T>C]TTTGTCAAAAGCGTCGAGTATTTCTTTCTGAAACACACGAGAGGATCGTGTGAGAAGACG-3'
Protein context (NP_002769.1, residues 335-355): EKEILDAFDK[Met345Val]CSKLPKSLSE